The following is an entry in ClinVar:

NM_000092.5(COL4A4):c.3602G>T (p.Gly1201Val)

Gene: COL4A4 (collagen type IV alpha 4 chain; minus strand). Cytogenetic location: 2q36.3.
Variant type: single nucleotide variant.
Coding change: c.3602G>T on transcript NM_000092.5 (MANE Select); coding-DNA position 3602, G replaced by T.
Protein change: p.Gly1201Val; replaces glycine 1201 with valine.
Molecular consequence: missense variant.
Genome position (GRCh38, 1-based): chr2:227,032,252, C>A on the plus strand (G>T on the coding strand, the complement: COL4A4 is on the minus strand). VCF-style: chr2-227032252-C-A. GRCh37 (hg19) VCF-style: chr2-227896968-C-A.
Other names: short protein forms G1201V.
Identifiers: ClinVar variation 4531827 (VCV004531827.2).

ClinVar aggregate classification (germline): Likely pathogenic. Review status: criteria provided, multiple submitters, no conflicts (2 of 4 stars). 2 submissions from 2 submitters: Likely pathogenic (2). Last evaluated 2024-10-24.

Conditions:
Alport syndrome. Also called: Hemorrhagic familial nephritis; Hemorrhagic hereditary nephritis; Congenital hereditary hematuria. Identifiers: Orphanet 63, MedGen C1567741, MONDO:0018965.
Hematuria, benign familial, 1 (BFH1). Also called: THIN MEMBRANE NEPHROPATHY. Identifiers: MedGen CN376803, MONDO:0007709, OMIM 141200.

Submissions (2):

Victorian Clinical Genetics Services, Murdoch Childrens Research Institute
Classification: Likely pathogenic for Alport syndrome. Last evaluated: 2024-10-24. Review status: criteria provided, single submitter. Criteria: ACMG Guidelines, 2015. Collection method: clinical testing. Allele origin: germline. Affected: yes.
Comment: This variant is classified as Likely pathogenic. Evidence in support of pathogenic classification: Variant is absent from gnomAD (v2, v3 and v4); Other missense variants comparable to the one identified in this case have moderate previous evidence for pathogenicity. The p.(Gly1201Ser) variant has been reported as pathogenic in a homozygous state in two siblings with autosomal recessive Alport syndrome (PMID: 7987396). The p.(Gly1201Asp) variant has been reported in an individual with autosomal recessive Alport syndrome, alongside a second COL4A4 variant with unknown phasing (PMID: 24052634); Variant is located in the well-established functional Gly-X-Y motif (DECIPHER); Missense variant consistently predicted to be damaging by in silico tool or highly conserved with a major amino acid change. Additional information: Variant is predicted to result in a missense amino acid change from glycine to valine; This variant is heterozygous; This gene is associated with both recessive and dominant disease. Alport syndrome typically has biallelic inheritance, although rare cases of monoallelic inheritance have been reported (PMID: 28704582). Thin basement membrane nephropathy (TBMN) and focal segmental glomerulosclerosis (FSGS) are associated with autosomal dominant inheritance (OMIM, PMIDs: 16467446, 17942953); Multiple alternative amino acid changes at the same position have been observed in gnomAD (v4) (highest allele count: 6 heterozygote(s), 0 homozygote(s)); This variant has no previous evidence of pathogenicity; No published segregation evidence has been identified for this variant; No published functional evidence has been identified for this variant; Loss of function is a known mechanism of disease for this gene and is associated with Alport syndrome. Dominant negative is a suspected mechanism of disease for this gene (PMIDs: 12028435, 24046192); Inheritance information for this variant is not currently available in this individual.

Clinical Genetics Service, Universitary Hospital 12 de Octubre
Classification: Likely pathogenic for Hematuria, benign familial, 1. Review status: criteria provided, single submitter. Criteria: ACMG Guidelines, 2015. Collection method: clinical testing. Allele origin: germline. Affected: yes.

Literature cited by the submitters: PubMed 24046192 (cited by Victorian Clinical Genetics Services, Murdoch Childrens Research Institute); PubMed 7987396 (cited by Victorian Clinical Genetics Services, Murdoch Childrens Research Institute); PubMed 16467446 (cited by Victorian Clinical Genetics Services, Murdoch Childrens Research Institute); PubMed 12028435 (cited by Victorian Clinical Genetics Services, Murdoch Childrens Research Institute); PubMed 24052634 (cited by Victorian Clinical Genetics Services, Murdoch Childrens Research Institute); PubMed 28704582 (cited by Victorian Clinical Genetics Services, Murdoch Childrens Research Institute); PubMed 17942953 (cited by Victorian Clinical Genetics Services, Murdoch Childrens Research Institute).